The following is an entry in ClinVar:

NM_001555.5(IGSF1):c.2320+6G>A

Gene: IGSF1 (immunoglobulin superfamily member 1; minus strand). Cytogenetic location: Xq26.1.
Variant type: single nucleotide variant.
Coding change: c.2320+6G>A on transcript NM_001555.5 (MANE Select); 6 bases into the intron after coding-DNA position 2320, G replaced by A.
Molecular consequence: intron variant.
Genome position (GRCh38, 1-based): chrX:131,277,850, C>T on the plus strand (G>A on the coding strand, the complement: IGSF1 is on the minus strand). VCF-style: chrX-131277850-C-T. GRCh37 (hg19) VCF-style: chrX-130411824-C-T.
Other names: c.2293+6G>A (NM_001170962.2); c.2335+6G>A (NM_001170961.2).
Identifiers: ClinVar variation 3050946 (VCV003050946.2), dbSNP rs376149601, ClinGen allele CA10517826.

ClinVar aggregate classification (germline): Likely benign (0 of 4 stars; one submission).

Conditions:
IGSF1-related disorder. Also called: IGSF1-related condition.

Allele frequency attached by ClinVar (database versions not stated): gnomAD exomes 0.00002; ExAC 0.00011; gnomAD 0.00011; ESP Exome Variant Server 0.00019.
gnomAD v4.1: 35 of 1,204,168 alleles (0.0029%); highest among the groups gnomAD compares: East Asian, 0.048%; no homozygotes.

Submission:

PreventionGenetics, part of Exact Sciences
Classification: Likely benign for IGSF1-related condition. Last evaluated: 2020-02-14. Review status: no assertion criteria provided. Collection method: clinical testing. Allele origin: germline.
Comment: This variant is classified as likely benign based on ACMG/AMP sequence variant interpretation guidelines (Richards et al. 2015 PMID: 25741868, with internal and published modifications).